The following is an entry in ClinVar:

NM_004360.5(CDH1):c.1015C>T (p.Pro339Ser)

Gene: CDH1 (cadherin 1; plus strand). Cytogenetic location: 16q22.1.
Variant type: single nucleotide variant.
Coding change: c.1015C>T on transcript NM_004360.5 (MANE Select); coding-DNA position 1015, C replaced by T.
Protein change: p.Pro339Ser; replaces proline 339 with serine.
Molecular consequence: missense variant. On other transcripts: 5 prime UTR variant (2).
Genome position (GRCh38, 1-based): chr16:68,812,141, C>T. VCF-style: chr16-68812141-C-T. GRCh37 (hg19) VCF-style: chr16-68846044-C-T.
Other names: c.1015C>T, p.Pro339Ser (NM_001317184.2); c.-601C>T (NM_001317185.2); c.-805C>T (NM_001317186.2); short protein forms P339S.
Identifiers: ClinVar variation 2837900 (VCV002837900.4), dbSNP rs1555515709, ClinGen allele CA396459931.
Genomic context (GRCh38, chr16:68,812,141, plus strand): 5'-CCAAAGGTGGCTAGTGTTCCTGGTCCTGACTTGGTTGTGTCGATCTCTCTGCAGAGTTTC[C>T]CTACGTATACCCTGGTGGTTCAAGCTGCTGACCTTCAAGGTGAGGGGTTAAGCACAACAG-3'
Protein context (NP_004351.1, residues 329-349): VTTGLDRESF[Pro339Ser]TYTLVVQAAD

ClinVar aggregate classification (germline): Uncertain significance. Review status: criteria provided, multiple submitters, no conflicts (2 of 4 stars). 2 submissions from 2 submitters: Uncertain significance (2). Last evaluated 2026-07-06.

Conditions:
Hereditary diffuse gastric adenocarcinoma (HDGC). Also called: DIFFUSE GASTRIC AND LOBULAR BREAST CANCER SYNDROME. Identifiers: Orphanet 26106, MedGen C1708349, MONDO:0007648, OMIM 137215.
Hereditary cancer-predisposing syndrome. Also called: Hereditary Cancer Syndrome; Hereditary neoplastic syndrome; Neoplastic Syndromes, Hereditary; Tumor predisposition. Identifiers: Orphanet 140162, MedGen C0027672, MeSH D009386, MONDO:0015356.

Submissions (2):

Ambry Genetics
Classification: Uncertain significance for Hereditary cancer-predisposing syndrome. Last evaluated: 2026-07-06. Review status: criteria provided, single submitter. Criteria: Ambry Variant Classification Scheme 2023. Collection method: clinical testing. Allele origin: germline.
Comment: The p.P339S variant (also known as c.1015C>T), located in coding exon 8 of the CDH1 gene, results from a C to T substitution at nucleotide position 1015. The proline at codon 339 is replaced by serine, an amino acid with similar properties. This amino acid position is conserved. In addition, this alteration is predicted to be tolerated by in silico analysis. Based on the available evidence, the clinical significance of this variant remains unclear.

Labcorp Genetics (formerly Invitae), Labcorp
Classification: Uncertain significance for Hereditary diffuse gastric adenocarcinoma. Last evaluated: 2023-02-16. Review status: criteria provided, single submitter. Criteria: Invitae Variant Classification Sherloc (09022015). Collection method: clinical testing. Allele origin: germline.
Comment: This sequence change replaces proline, which is neutral and non-polar, with serine, which is neutral and polar, at codon 339 of the CDH1 protein (p.Pro339Ser). This variant is not present in population databases (gnomAD no frequency). This variant has not been reported in the literature in individuals affected with CDH1-related conditions. An algorithm developed to predict the effect of missense changes on protein structure and function (PolyPhen-2) suggests that this variant is likely to be disruptive. In summary, the available evidence is currently insufficient to determine the role of this variant in disease. Therefore, it has been classified as a Variant of Uncertain Significance.